The following is an entry in ClinVar:

NM_006231.4(POLE):c.2656C>T (p.Pro886Ser)

Gene: POLE (DNA polymerase epsilon, catalytic subunit; minus strand). Cytogenetic location: 12q24.33.
Variant type: single nucleotide variant.
Coding change: c.2656C>T on transcript NM_006231.4 (MANE Select); coding-DNA position 2656, C replaced by T.
Protein change: p.Pro886Ser; replaces proline 886 with serine.
Molecular consequence: missense variant.
Genome position (GRCh38, 1-based): chr12:132,664,054, G>A on the plus strand (C>T on the coding strand, the complement: POLE is on the minus strand). VCF-style: chr12-132664054-G-A. GRCh37 (hg19) VCF-style: chr12-133240640-G-A.
Other names: c.2656C>T (NM_006231.3, NM_006231.2); short protein forms P886S.
Identifiers: ClinVar variation 1036492 (VCV001036492.11), dbSNP rs1393738781, ClinGen allele CA387395360.

ClinVar aggregate classification (germline): Uncertain significance. Review status: criteria provided, multiple submitters, no conflicts (2 of 4 stars). 4 submissions from 4 submitters: Uncertain significance (4). Last evaluated 2025-12-02.

Conditions:
Polymerase proofreading-related adenomatous polyposis. Also called: Polymerase proofreading associated polyposis; Polymerase proofreading–associated polyposis (PPAP). Identifiers: Orphanet 447877, MedGen C5202613, MONDO:0018653.
Hereditary cancer-predisposing syndrome. Also called: Neoplastic Syndromes, Hereditary; Hereditary Cancer Syndrome; Tumor predisposition; Hereditary neoplastic syndrome. Identifiers: Orphanet 140162, MedGen C0027672, MeSH D009386, MONDO:0015356.

Allele frequency attached by ClinVar (database versions not stated): TOPMed below 0.00001.

Submissions (4):

Ambry Genetics
Classification: Uncertain significance for Hereditary cancer-predisposing syndrome. Last evaluated: 2025-12-02. Review status: criteria provided, single submitter. Criteria: Ambry Variant Classification Scheme 2023. Collection method: clinical testing. Allele origin: germline.
Comment: The p.P886S variant (also known as c.2656C>T), located in coding exon 23 of the POLE gene, results from a C to T substitution at nucleotide position 2656. The proline at codon 886 is replaced by serine, an amino acid with similar properties. This amino acid position is highly conserved in available vertebrate species. In addition, the in silico prediction for this alteration is inconclusive. Based on the available evidence, the clinical significance of this variant remains unclear.

Labcorp Genetics (formerly Invitae), Labcorp
Classification: Uncertain significance. Last evaluated: 2025-11-26. Review status: criteria provided, single submitter. Criteria: Invitae Variant Classification Sherloc (09022015). Collection method: clinical testing. Allele origin: germline.
Comment: This sequence change replaces proline, which is neutral and non-polar, with serine, which is neutral and polar, at codon 886 of the POLE protein (p.Pro886Ser). This variant is not present in population databases (gnomAD no frequency). This variant has not been reported in the literature in individuals affected with POLE-related conditions. ClinVar contains an entry for this variant (Variation ID: 1036492). An algorithm developed to predict the effect of missense changes on protein structure and function outputs the following: PolyPhen-2: "Benign". The serine amino acid residue is found in multiple mammalian species, which suggests that this missense change does not adversely affect protein function. In summary, the available evidence is currently insufficient to determine the role of this variant in disease. Therefore, it has been classified as a Variant of Uncertain Significance.

Mendelics
Classification: Uncertain significance. Last evaluated: 2022-05-04. Review status: criteria provided, single submitter. Criteria: Mendelics Assertion Criteria 2019. Collection method: clinical testing. Allele origin: germline.

Department of Pathology and Laboratory Medicine, Sinai Health System
Classification: Uncertain significance for Polymerase proofreading-related adenomatous polyposis. Last evaluated: 2020-06-01. Review status: criteria provided, single submitter. Criteria: ACMG Guidelines, 2015. Collection method: clinical testing. Allele origin: germline. Affected: yes.